The following is an entry in ClinVar:

ClinVar aggregate classification (germline): Uncertain significance (1 of 4 stars; one submission).

Submission:

Labcorp Genetics (formerly Invitae), Labcorp
Classification: Uncertain significance. Last evaluated: 2025-10-19. Review status: criteria provided, single submitter. Criteria: Invitae Variant Classification Sherloc (09022015). Collection method: clinical testing. Allele origin: germline.
Comment: This variant, c.3888_3893dup, results in the insertion of 2 amino acid(s) of the BRD4 protein (p.Gln1299_Gln1300dup), but otherwise preserves the integrity of the reading frame. This variant is not present in population databases (gnomAD no frequency). This variant has not been reported in the literature in individuals affected with BRD4-related conditions. Experimental studies and prediction algorithms are not available or were not evaluated, and the functional significance of this variant is currently unknown. In summary, the available evidence is currently insufficient to determine the role of this variant in disease. Therefore, it has been classified as a Variant of Uncertain Significance.

NM_001379291.1(BRD4):c.3882GCA[6] (p.Gln1300_Ala1301insGlnGln)

Gene: BRD4 (bromodomain containing 4; minus strand). Cytogenetic location: 19p13.12.
Variant type: Microsatellite.
Coding change: c.3882GCA[6] on transcript NM_001379291.1 (MANE Select); six copies in a row of the 3-base unit GCA starting at c.3882; the reference has four copies in a row; two copies, 6 bases duplicated.
Protein change: p.Gln1300_Ala1301insGlnGln.
Molecular consequence: inframe insertion.
Genome position (GRCh38, 1-based): chr19:15,238,870-15,238,875, TGCTGC duplicated on the plus strand (GCAGCA on the coding strand, the reverse complement: BRD4 is on the minus strand); duplicating any 6 consecutive bases within chr19:15,238,870-15,238,883 gives the same sequence; the position shown is the placement nearest the transcript's 3' end. VCF-style (leftmost placement, unchanged base first): chr19-15238869-T-TTGCTGC. GRCh37 (hg19) VCF-style: chr19-15349680-T-TTGCTGC.
Other names: c.3882GCA[6], p.Gln1300_Ala1301insGlnGln (NM_058243.3).
Identifiers: ClinVar variation 4729002 (VCV004729002.1).